The following is an entry in ClinVar:

NM_001111067.4(ACVR1):c.1067G>A (p.Gly356Asp)

Gene: ACVR1 (activin A receptor type 1; minus strand). Cytogenetic location: 2q24.1.
Variant type: single nucleotide variant.
Coding change: c.1067G>A on transcript NM_001111067.4 (MANE Select); coding-DNA position 1067, G replaced by A.
Protein change: p.Gly356Asp; replaces glycine 356 with aspartic acid.
Molecular consequence: missense variant.
Genome position (GRCh38, 1-based): chr2:157,761,077, C>T on the plus strand (G>A on the coding strand, the complement: ACVR1 is on the minus strand). VCF-style: chr2-157761077-C-T. GRCh37 (hg19) VCF-style: chr2-158617589-C-T.
Other names: c.1067G>A, p.Gly356Asp (NM_001105.5, NM_001347663.1, NM_001347664.1 and 3 more transcripts); short protein forms G356D.
Identifiers: ClinVar variation 18310 (VCV000018310.11), dbSNP rs121912679, ClinGen allele CA128037.

ClinVar aggregate classification (germline): Pathogenic/Likely pathogenic. Review status: criteria provided, multiple submitters, no conflicts (2 of 4 stars). 4 submissions from 4 submitters: Pathogenic (2); Likely pathogenic (1). 1 of the submissions does not count toward it. Last evaluated 2025-06-11.
ClinVar aggregate classification (somatic clinical impact): Tier I - Strong (1 of 4 stars; one submission).

Conditions:
Progressive myositis ossificans (FOP). Also called: Progressive ossifying myositis; Fibrodysplasia Ossificans Progressiva; Myositis ossificans progressiva. Identifiers: Orphanet 337, MedGen C0016037, MONDO:0007606, OMIM 135100.
Diffuse midline glioma, H3 K27M-mutant. Identifiers: MedGen C4289688, MONDO:0957196.

Submissions (5):

New York Genome Center
Classification: Likely pathogenic for Progressive myositis ossificans. Last evaluated: 2025-06-11. Review status: criteria provided, single submitter. Criteria: NYGC Assertion Criteria 2020. Collection method: clinical testing. Allele origin: de novo. Observed: 1 variant allele, 1 heterozygote, 1 mosaic individual.
Comment: This variant is observed with a variant allele frequency of 22% (10 out of 45 reads). This variant has previously been reported in multiple unrelated individuals with fibrodysplasia ossificans progressiva [PMID: 18203193,19085907, 24051199, 26058333, 33404144] and it has been deposited in ClinVar [ClinVar ID: 18310] as Pathogenic by multiple submitters without affected status provided. The c.1067G>A variant in ACVR1 is absent from population databases (gnomAD v4.1.0), suggesting it is not a common benign variant in the populations represented in that database. The c.1067G>A variant in ACVR1 is located in exon 9 of this 11-exon gene and is predicted to replace an evolutionarily conserved glycine with aspartate at position 356 (p.(Gly356Asp)) in the protein kinase domain (208-502aa) [PMID: 31683698] of the encoded protein. In vitro functional studies demonstrated gain-of-function effect by inducing moderate phosphorylation of SMAD1/BMP signaling pathway even in the absence of the native ligands of ACVR1 in myoblasts cells carrying c.1067G>A variant [PMID: 22977237, 18952055]. Based on available evidence this de novo c.1067G>A p.(Gly356Asp) variant identified in ACVR1 is classified as Likely Pathogenic.

Institute for Genomic Medicine (IGM) Clinical Laboratory, Nationwide Children's Hospital
Classification: Tier I - Strong for Diffuse midline glioma, H3 K27M-mutant. Assertion type: diagnostic. Clinical significance: supports diagnosis. Last evaluated: 2024-12-10. Review status: criteria provided, single submitter. Criteria: AMP/ASCO/CAP Guidelines, 2017. Collection method: clinical testing. Allele origin: somatic. Affected: yes.
Comment: Variant has Tier I (strong) clinical significance as a diagnostic inclusion criterion in diffuse midline glioma, H3 K27M-mutant, based on the following evidence: 1) Documented in one or more cancer databases (e.g., St. Jude Pecan, COSMIC, CIViC, OncoKB). 2) Appears in one or more well-established professional guidelines (e.g., World Health Organization [WHO]; National Comprehensive Cancer Network [NCCN]) as providing diagnostic, prognostic, or therapeutic information. 3) Information in the literature supports potential biologic effect of variant (PMIDs: 18952055, 22977237). 4) Diagnostic for a specific tumor type/classification based on well-powered studies with expert-level consensus (Evidence Level B; PMIDs: 28966033, 24705252, 24705254, 24705250, 26727948, 27048880, 29967352).

Labcorp Genetics (formerly Invitae), Labcorp
Classification: Pathogenic. Last evaluated: 2023-04-26. Review status: criteria provided, single submitter. Criteria: Invitae Variant Classification Sherloc (09022015). Collection method: clinical testing. Allele origin: germline.
Comment: Experimental studies have shown that this missense change affects ACVR1 function (PMID: 18952055, 22977237, 24705251). An algorithm developed to predict the effect of missense changes on protein structure and function (PolyPhen-2) suggests that this variant is likely to be disruptive. ClinVar contains an entry for this variant (Variation ID: 18310). This missense change has been observed in individuals with fibrodysplasia ossificans progressiva (PMID: 18203193, 19085907, 24051199, 26058333). This variant is not present in population databases (gnomAD no frequency). This sequence change replaces glycine, which is neutral and non-polar, with aspartic acid, which is acidic and polar, at codon 356 of the ACVR1 protein (p.Gly356Asp). For these reasons, this variant has been classified as Pathogenic.

Mendelics
Classification: Pathogenic for Progressive myositis ossificans. Last evaluated: 2022-05-04. Review status: criteria provided, single submitter. Criteria: Mendelics Assertion Criteria 2019. Collection method: clinical testing. Allele origin: germline.

OMIM
Classification: Pathogenic for FIBRODYSPLASIA OSSIFICANS PROGRESSIVA. Last evaluated: 2009-03-01. Review status: no assertion criteria provided. Collection method: literature only. Allele origin: germline. Not counted in ClinVar's aggregate classification.

Literature cited by the submitters: PubMed 1820319 (cited by New York Genome Center); PubMed 19085907 (cited by 3 submitters); PubMed 24051199 (cited by New York Genome Center and Labcorp Genetics (formerly Invitae), Labcorp); PubMed 26058333 (cited by New York Genome Center and Labcorp Genetics (formerly Invitae), Labcorp); PubMed 33404144 (cited by New York Genome Center); PubMed 18952055 (cited by Institute for Genomic Medicine (IGM) Clinical Laboratory, Nationwide Children's Hospital and Labcorp Genetics (formerly Invitae), Labcorp); PubMed 22977237 (cited by Institute for Genomic Medicine (IGM) Clinical Laboratory, Nationwide Children's Hospital and Labcorp Genetics (formerly Invitae), Labcorp); PubMed 28966033 (cited by Institute for Genomic Medicine (IGM) Clinical Laboratory, Nationwide Children's Hospital); PubMed 24705252 (cited by Institute for Genomic Medicine (IGM) Clinical Laboratory, Nationwide Children's Hospital); PubMed 24705254 (cited by Institute for Genomic Medicine (IGM) Clinical Laboratory, Nationwide Children's Hospital); PubMed 24705250 (cited by Institute for Genomic Medicine (IGM) Clinical Laboratory, Nationwide Children's Hospital); PubMed 26727948 (cited by Institute for Genomic Medicine (IGM) Clinical Laboratory, Nationwide Children's Hospital); PubMed 27048880 (cited by Institute for Genomic Medicine (IGM) Clinical Laboratory, Nationwide Children's Hospital); PubMed 29967352 (cited by Institute for Genomic Medicine (IGM) Clinical Laboratory, Nationwide Children's Hospital); PubMed 24705251 (cited by Labcorp Genetics (formerly Invitae), Labcorp); PubMed 18203193 (cited by Labcorp Genetics (formerly Invitae), Labcorp and OMIM).